The following is an entry in ClinVar:

NM_004625.4(WNT7A):c.71+1G>A

Gene: WNT7A (Wnt family member 7A; minus strand). Cytogenetic location: 3p25.1.
Variant type: single nucleotide variant.
Coding change: c.71+1G>A on transcript NM_004625.4 (MANE Select); the canonical splice donor site of the intron after coding-DNA position 71, G replaced by A.
Molecular consequence: splice donor variant.
Genome position (GRCh38, 1-based): chr3:13,879,745, C>T on the plus strand (G>A on the coding strand, the complement: WNT7A is on the minus strand). VCF-style: chr3-13879745-C-T. GRCh37 (hg19) VCF-style: chr3-13921242-C-T.
Identifiers: ClinVar variation 4056356 (VCV004056356.1).

ClinVar aggregate classification (germline): Likely pathogenic (1 of 4 stars; one submission).

Conditions:
Fuhrmann syndrome. Identifiers: Orphanet 2854, MedGen C1856728, MONDO:0009232, OMIM 228930.

Submission:

Department of Molecular Genetics, Istishari Arab Hospital
Classification: Likely pathogenic for Fuhrmann syndrome. Last evaluated: 2025-07-10. Review status: criteria provided, single submitter. Criteria: ACMG Guidelines, 2015. Collection method: clinical testing. Allele origin: inherited. Inheritance: Autosomal recessive inheritance. Affected: yes.
Comment: The WNT7A variant c.71+1G>A is predicted to disrupt the splicing site. To the best of our knowledge, this variant was not previously reported in literature. It is classified as likely pathogenic (class 2) according to the recommendations of ACMG/AMP/ClinGen SVI guidelines.